The following is an entry in ClinVar:

NM_001134407.3(GRIN2A):c.3591T>A (p.Gly1197=)

Gene: GRIN2A (glutamate ionotropic receptor NMDA type subunit 2A; minus strand). Cytogenetic location: 16p13.2.
Variant type: single nucleotide variant.
Coding change: c.3591T>A on transcript NM_001134407.3 (MANE Select); coding-DNA position 3591, T replaced by A.
Protein change: p.Gly1197=; no amino-acid change (glycine 1197 retained).
Molecular consequence: synonymous variant.
Genome position (GRCh38, 1-based): chr16:9,763,953, A>T on the plus strand (T>A on the coding strand, the complement: GRIN2A is on the minus strand). VCF-style: chr16-9763953-A-T. GRCh37 (hg19) VCF-style: chr16-9857810-A-T.
Other names: c.3591T>A, p.Gly1197= (NM_000833.5, NM_001134408.2).
Identifiers: ClinVar variation 887250 (VCV000887250.18), dbSNP rs532278751, ClinGen allele CA7896284.

ClinVar aggregate classification (germline): Benign/Likely benign. Review status: criteria provided, multiple submitters, no conflicts (2 of 4 stars). 4 submissions from 4 submitters: Benign (2); Likely benign (2). Last evaluated 2026-02-01.

Conditions:
Inborn genetic diseases. Identifiers: MedGen C0950123, MeSH D030342.
Landau-Kleffner syndrome (FESD). Also called: APHASIA, ACQUIRED, WITH EPILEPSY; EPILEPSY, FOCAL, WITH SPEECH DISORDER AND WITH OR WITHOUT MENTAL RETARDATION. Identifiers: Orphanet 1945, Orphanet 725, Orphanet 98818, MedGen C0282512, MONDO:0009509, OMIM 245570.

Allele frequency attached by ClinVar (database versions not stated): gnomAD 0.00003 and below 0.00001; gnomAD exomes 0.00009; TOPMed 0.00001; ExAC 0.00009; 1000 Genomes Project 0.00040; 1000 Genomes Project 30x 0.00031.
gnomAD v4.1: 69 of 1,614,034 alleles (0.0043%); highest among the groups gnomAD compares: South Asian, 0.072%; 1 homozygote.

Submissions (4):

CeGaT Center for Human Genetics Tuebingen
Classification: Likely benign. Last evaluated: 2026-02-01. Review status: criteria provided, single submitter. Criteria: CeGaT Center For Human Genetics Tuebingen Variant Classification Criteria Version 2. Collection method: clinical testing. Allele origin: germline. Affected: yes. Observed: 1 variant allele.
Comment: GRIN2A: BP4, BP7

Labcorp Genetics (formerly Invitae), Labcorp
Classification: Benign for Landau-Kleffner syndrome. Last evaluated: 2023-03-04. Review status: criteria provided, single submitter. Criteria: Invitae Variant Classification Sherloc (09022015). Collection method: clinical testing. Allele origin: germline.

Ambry Genetics
Classification: Likely benign for Inborn genetic diseases. Last evaluated: 2018-08-27. Review status: criteria provided, single submitter. Criteria: Ambry Variant Classification Scheme 2023. Collection method: clinical testing. Allele origin: germline.

Illumina Laboratory Services, Illumina
Classification: Benign for Landau-Kleffner syndrome. Last evaluated: 2018-01-13. Review status: criteria provided, single submitter. Criteria: ICSL Variant Classification Criteria 13 December 2019. Collection method: clinical testing. Allele origin: germline.
Comment: This variant was observed in the ICSL laboratory as part of a predisposition screen in an ostensibly healthy population. It had not been previously curated by ICSL or reported in the Human Gene Mutation Database (HGMD: prior to June 1st, 2018), and was therefore a candidate for classification through an automated scoring system. Utilizing variant allele frequency, disease prevalence and penetrance estimates, and inheritance mode, an automated score was calculated to assess if this variant is too frequent to cause the disease. Based on the score and internal cut-off values, a variant classified as benign is not then subjected to further curation. The score for this variant resulted in a classification of benign for this disease.